The following is an entry in ClinVar:

NM_177402.5(SYT2):c.392G>C (p.Gly131Ala)

Gene: SYT2 (synaptotagmin 2; minus strand). Cytogenetic location: 1q32.1.
Variant type: single nucleotide variant.
Coding change: c.392G>C on transcript NM_177402.5 (MANE Select); coding-DNA position 392, G replaced by C.
Protein change: p.Gly131Ala; replaces glycine 131 with alanine.
Molecular consequence: missense variant.
Genome position (GRCh38, 1-based): chr1:202,603,072, C>G on the plus strand (G>C on the coding strand, the complement: SYT2 is on the minus strand). VCF-style: chr1-202603072-C-G. GRCh37 (hg19) VCF-style: chr1-202572200-C-G.
Other names: c.392G>C, p.Gly131Ala (NM_001136504.1); short protein forms G131A.
Identifiers: ClinVar variation 4764521 (VCV004764521.1).

ClinVar aggregate classification (germline): Uncertain significance (1 of 4 stars; one submission).

gnomAD v4.1: 5 of 1,614,038 alleles (0.00031%); highest among the groups gnomAD compares: Admixed American, 0.0017%; no homozygotes.

Submission:

Labcorp Genetics (formerly Invitae), Labcorp
Classification: Uncertain significance. Last evaluated: 2025-04-27. Review status: criteria provided, single submitter. Criteria: Invitae Variant Classification Sherloc (09022015). Collection method: clinical testing. Allele origin: germline.
Comment: This sequence change replaces glycine, which is neutral and non-polar, with alanine, which is neutral and non-polar, at codon 131 of the SYT2 protein (p.Gly131Ala). This variant is present in population databases (no rsID available, gnomAD no frequency). This variant has not been reported in the literature in individuals affected with SYT2-related conditions. Invitae Evidence Modeling of protein sequence and biophysical properties (such as structural, functional, and spatial information, amino acid conservation, physicochemical variation, residue mobility, and thermodynamic stability) indicates that this missense variant is not expected to disrupt SYT2 protein function with a negative predictive value of 80%. In summary, the available evidence is currently insufficient to determine the role of this variant in disease. Therefore, it has been classified as a Variant of Uncertain Significance.